The following is an entry in ClinVar:

ClinVar aggregate classification (germline): Conflicting classifications of pathogenicity. Review status: criteria provided, conflicting classifications (1 of 4 stars). 4 submissions from 4 submitters: Uncertain significance (1); Likely benign (3). Last evaluated 2026-03-25.

Conditions:
PEX19-related disorder. Also called: PEX19-related condition.
Peroxisome biogenesis disorder 12A (Zellweger). Also called: Peroxisome biogenesis disorder 12A. Identifiers: Orphanet 912, MedGen C3554002, MONDO:0013951, OMIM 614886.

Allele frequency attached by ClinVar (database versions not stated): ExAC 0.00018; 1000 Genomes Project 30x 0.00031; ESP Exome Variant Server 0.00038; 1000 Genomes Project 0.00040; gnomAD 0.00044 and 0.00048; TOPMed 0.00060.
gnomAD v4.1: 162 of 1,613,844 alleles (0.01%); highest among the groups gnomAD compares: African/African-American, 0.17%; no homozygotes.

Submissions (4):

PreventionGenetics, part of Exact Sciences
Classification: Likely benign for PEX19-related condition. Last evaluated: 2026-03-25. Review status: criteria provided, single submitter. Criteria: ACMG Guidelines, 2015. Collection method: clinical testing. Allele origin: germline.
Comment: This variant is classified as likely benign based on ACMG/AMP sequence variant interpretation guidelines (Richards et al. 2015 PMID: 25741868, with internal and published modifications).

Labcorp Genetics (formerly Invitae), Labcorp
Classification: Likely benign for Peroxisome biogenesis disorder 12A (Zellweger). Last evaluated: 2026-01-12. Review status: criteria provided, single submitter. Criteria: Invitae Variant Classification Sherloc (09022015). Collection method: clinical testing. Allele origin: germline.

Blueprint Genetics
Classification: Likely benign. Last evaluated: 2024-08-05. Review status: criteria provided, single submitter. Criteria: ACMG Guidelines, 2015. Collection method: clinical testing. Allele origin: germline.

Eurofins Ntd Llc (ga)
Classification: Uncertain significance. Last evaluated: 2017-09-29. Review status: criteria provided, single submitter. Criteria: EGL Classification Definitions 2015. Collection method: clinical testing. Allele origin: germline. Observed: 3 variant alleles, 3 heterozygotes.

NM_002857.4(PEX19):c.87C>T (p.Phe29=)

Gene: PEX19 (peroxisomal biogenesis factor 19; minus strand). Cytogenetic location: 1q23.2.
Variant type: single nucleotide variant.
Coding change: c.87C>T on transcript NM_002857.4 (MANE Select); coding-DNA position 87, C replaced by T.
Protein change: p.Phe29=; no amino-acid change (phenylalanine 29 retained).
Molecular consequence: synonymous variant. On other transcripts: non-coding transcript variant (1).
Genome position (GRCh38, 1-based): chr1:160,283,623, G>A on the plus strand (C>T on the coding strand, the complement: PEX19 is on the minus strand). VCF-style: chr1-160283623-G-A. GRCh37 (hg19) VCF-style: chr1-160253413-G-A.
Other names: c.87C>T, p.Phe29= (NM_001193644.1).
Identifiers: ClinVar variation 499257 (VCV000499257.17), dbSNP rs141911166, ClinGen allele CA1197475.
Genomic context (GRCh38, chr1:160,283,623, plus strand): 5'-CCCCGAAGCATCAGGGGCCGTGGTGGTAGAAGGGGGTGCTGGGGAGGGTTTGGCTTTATC[G>A]AAATCATCAAGAGCACCTTCAGAGACAAGAGACATGGTGTGTGTGTTGGCGACAGATGAG-3'
Protein context (NP_002848.1, residues 19-39): EELLESALDD[Phe29=]DKAKPSPAPP